The following is an entry in ClinVar:

ClinVar aggregate classification (germline): Uncertain significance. Review status: criteria provided, multiple submitters, no conflicts (2 of 4 stars). 4 submissions from 4 submitters: Uncertain significance (3). 1 of the submissions does not count toward it. Last evaluated 2025-02-22.

Conditions:
Hereditary cancer-predisposing syndrome. Also called: Tumor predisposition; Neoplastic Syndromes, Hereditary; Hereditary Cancer Syndrome; Hereditary neoplastic syndrome. Identifiers: Orphanet 140162, MedGen C0027672, MeSH D009386, MONDO:0015356.
Microcephaly, normal intelligence and immunodeficiency (NBS). Also called: BERLIN BREAKAGE SYNDROME; Ataxia telangiectasia variant V1; IMMUNODEFICIENCY, MICROCEPHALY, AND CHROMOSOMAL INSTABILITY; SEEMANOVA SYNDROME II; Immunodeficiency, microcephaly with normal intelligence; Nijmegen breakage syndrome. Identifiers: Orphanet 647, MedGen C0398791, MONDO:0009623, OMIM 251260.

Allele frequency attached by ClinVar (database versions not stated): gnomAD exomes below 0.00001 and 0.00002; TOPMed 0.00002; ExAC 0.00003.
gnomAD v4.1: 2 of 1,589,752 alleles (0.00013%); highest among the groups gnomAD compares: East Asian, 0.0022%; no homozygotes.

Submissions (4):

Ambry Genetics
Classification: Uncertain significance for Hereditary cancer-predisposing syndrome. Last evaluated: 2025-02-22. Review status: criteria provided, single submitter. Criteria: Ambry Variant Classification Scheme 2023. Collection method: clinical testing. Allele origin: germline.
Comment: The p.G301D variant (also known as c.902G>A), located in coding exon 8 of the NBN gene, results from a G to A substitution at nucleotide position 902. The glycine at codon 301 is replaced by aspartic acid, an amino acid with similar properties. This amino acid position is conserved. In addition, this alteration is predicted to be tolerated by in silico analysis. Since supporting evidence is limited at this time, the clinical significance of this alteration remains unclear.

Labcorp Genetics (formerly Invitae), Labcorp
Classification: Uncertain significance for Microcephaly, normal intelligence and immunodeficiency. Last evaluated: 2022-01-01. Review status: criteria provided, single submitter. Criteria: Invitae Variant Classification Sherloc (09022015). Collection method: clinical testing. Allele origin: germline.
Comment: This sequence change replaces glycine, which is neutral and non-polar, with aspartic acid, which is acidic and polar, at codon 301 of the NBN protein (p.Gly301Asp). This variant is present in population databases (rs749857140, gnomAD 0.02%). This variant has not been reported in the literature in individuals affected with NBN-related conditions. ClinVar contains an entry for this variant (Variation ID: 490063). Algorithms developed to predict the effect of missense changes on protein structure and function (SIFT, PolyPhen-2, Align-GVGD) all suggest that this variant is likely to be tolerated. In summary, the available evidence is currently insufficient to determine the role of this variant in disease. Therefore, it has been classified as a Variant of Uncertain Significance.

Genome-Nilou Lab
Classification: Uncertain significance for Microcephaly, normal intelligence and immunodeficiency. Last evaluated: 2021-11-07. Review status: criteria provided, single submitter. Criteria: ACMG Guidelines, 2015. Collection method: clinical testing. Allele origin: germline. Affected: no.

Natera, Inc.
Classification: Uncertain significance for Nijmegen breakage syndrome. Last evaluated: 2019-11-11. Review status: no assertion criteria provided. Collection method: clinical testing. Allele origin: germline. Not counted in ClinVar's aggregate classification.

NM_002485.5(NBN):c.902G>A (p.Gly301Asp)

Gene: NBN (nibrin; minus strand). Cytogenetic location: 8q21.3.
Variant type: single nucleotide variant.
Coding change: c.902G>A on transcript NM_002485.5 (MANE Select); coding-DNA position 902, G replaced by A.
Protein change: p.Gly301Asp; replaces glycine 301 with aspartic acid.
Molecular consequence: missense variant.
Genome position (GRCh38, 1-based): chr8:89,964,502, C>T on the plus strand (G>A on the coding strand, the complement: NBN is on the minus strand). VCF-style: chr8-89964502-C-T. GRCh37 (hg19) VCF-style: chr8-90976730-C-T.
Other names: c.656G>A, p.Gly219Asp (NM_001024688.3); short protein forms G301D, G219D.
Identifiers: ClinVar variation 490063 (VCV000490063.20), dbSNP rs749857140, ClinGen allele CA4802850.